The following is an entry in ClinVar:

NM_006015.6(ARID1A):c.2657C>T (p.Pro886Leu)

Gene: ARID1A (AT-rich interaction domain 1A; plus strand). Cytogenetic location: 1p36.11.
Variant type: single nucleotide variant.
Coding change: c.2657C>T on transcript NM_006015.6 (MANE Select); coding-DNA position 2657, C replaced by T.
Protein change: p.Pro886Leu; replaces proline 886 with leucine.
Molecular consequence: missense variant.
Genome position (GRCh38, 1-based): chr1:26,763,210, C>T. VCF-style: chr1-26763210-C-T. GRCh37 (hg19) VCF-style: chr1-27089701-C-T.
Other names: c.2657C>T, p.Pro886Leu (NM_139135.4); short protein forms P886L.
Identifiers: ClinVar variation 1196386 (VCV001196386.3), dbSNP rs2081008653, ClinGen allele CA339157588.

ClinVar aggregate classification (germline): Uncertain significance. Review status: criteria provided, multiple submitters, no conflicts (2 of 4 stars). 2 submissions from 2 submitters: Uncertain significance (2). Last evaluated 2025-09-10.

Conditions:
Inborn genetic diseases. Identifiers: MedGen C0950123, MeSH D030342.

Allele frequency attached by ClinVar (database versions not stated): gnomAD exomes below 0.00001; TOPMed 0.00001.
gnomAD v4.1: 1 of 1,614,056 alleles (0.000062%); highest among the groups gnomAD compares: Non-Finnish European, 0.000085%; no homozygotes.

Submissions (2):

Ambry Genetics
Classification: Uncertain significance for Inborn genetic diseases. Last evaluated: 2025-09-10. Review status: criteria provided, single submitter. Criteria: Ambry Variant Classification Scheme 2023. Collection method: clinical testing. Allele origin: germline.

GeneDx
Classification: Uncertain significance. Last evaluated: 2020-06-19. Review status: criteria provided, single submitter. Criteria: GeneDx Variant Classification Process June 2021. Collection method: clinical testing. Allele origin: germline. Affected: yes.
Comment: Not observed in large population cohorts (Lek et al., 2016); In silico analysis supports that this missense variant has a deleterious effect on protein structure/function; Has not been previously published as pathogenic or benign to our knowledge